The following is an entry in ClinVar:

NM_000136.3(FANCC):c.1009C>T (p.Leu337Phe)

Genes: FANCC (FA complementation group C; minus strand), AOPEP (aminopeptidase O (putative); plus strand). Cytogenetic location: 9q22.32.
Variant type: single nucleotide variant.
Coding change: c.1009C>T on transcript NM_000136.3 (MANE Select); coding-DNA position 1009, C replaced by T.
Protein change: p.Leu337Phe; replaces leucine 337 with phenylalanine.
Molecular consequence: missense variant.
Genome position (GRCh38, 1-based): chr9:95,117,378, G>A on the plus strand (C>T on the coding strand, the complement: FANCC is on the minus strand). VCF-style: chr9-95117378-G-A. GRCh37 (hg19) VCF-style: chr9-97879660-G-A.
Other names: p.L337F:CTC>TTC; c.1009C>T, p.Leu337Phe (NM_001243743.2, NM_001243744.2); short protein forms L337F.
Identifiers: ClinVar variation 127530 (VCV000127530.15), dbSNP rs587779899, ClinGen allele CA287181.
Genomic context (GRCh38, chr9:95,117,378, plus strand): 5'-GAGGGTCTTGCAGCAGCACCATGGCAAGAGATGGAGAAGTGTAAGGAAAGTAGGTCTTGA[G>A]TGCAAACCGCAGCTGCCACAGGATGGAAAATCCAAAGAGCATGAACATTAAGATTGAAAC-3'
Protein context (NP_000127.2, residues 327-347): EKASKQLRFA[Leu337Phe]KTYFPYTSPS

ClinVar aggregate classification (germline): Uncertain significance. Review status: criteria provided, multiple submitters, no conflicts (2 of 4 stars). 4 submissions from 4 submitters: Uncertain significance (3). 1 of the submissions does not count toward it. Last evaluated 2024-07-19.

Conditions:
Hereditary cancer-predisposing syndrome. Also called: Hereditary Cancer Syndrome; Hereditary neoplastic syndrome; Tumor predisposition; Neoplastic Syndromes, Hereditary. Identifiers: Orphanet 140162, MedGen C0027672, MeSH D009386, MONDO:0015356.
Fanconi anemia (FA). Also called: Fanconi's anemia. Identifiers: Orphanet 84, MedGen C0015625, MeSH D005199, MONDO:0019391.

gnomAD v4.1: 12 of 1,613,870 alleles (0.00074%); highest among the groups gnomAD compares: Non-Finnish European, 0.001%; no homozygotes.

Submissions (4):

Ambry Genetics
Classification: Uncertain significance for Hereditary cancer-predisposing syndrome. Last evaluated: 2024-07-19. Review status: criteria provided, single submitter. Criteria: Ambry Variant Classification Scheme 2023. Collection method: clinical testing. Allele origin: germline.
Comment: The p.L337F variant (also known as c.1009C>T), located in coding exon 10 of the FANCC gene, results from a C to T substitution at nucleotide position 1009. The leucine at codon 337 is replaced by phenylalanine, an amino acid with highly similar properties. This amino acid position is well conserved in available vertebrate species; however, phenylalanine is the reference amino acid in other vertebrate species. In addition, this alteration is predicted to be tolerated by in silico analysis. Based on the available evidence, the clinical significance of this variant remains unclear.

Labcorp Genetics (formerly Invitae), Labcorp
Classification: Uncertain significance for Fanconi anemia. Last evaluated: 2022-10-04. Review status: criteria provided, single submitter. Criteria: Invitae Variant Classification Sherloc (09022015). Collection method: clinical testing. Allele origin: germline.
Comment: This sequence change replaces leucine, which is neutral and non-polar, with phenylalanine, which is neutral and non-polar, at codon 337 of the FANCC protein (p.Leu337Phe). This variant is present in population databases (rs587779899, gnomAD 0.0009%). This variant has not been reported in the literature in individuals affected with FANCC-related conditions. ClinVar contains an entry for this variant (Variation ID: 127530). Advanced modeling of protein sequence and biophysical properties (such as structural, functional, and spatial information, amino acid conservation, physicochemical variation, residue mobility, and thermodynamic stability) performed at Invitae indicates that this missense variant is not expected to disrupt FANCC protein function. In summary, the available evidence is currently insufficient to determine the role of this variant in disease. Therefore, it has been classified as a Variant of Uncertain Significance.

GeneDx
Classification: Uncertain significance. Last evaluated: 2022-06-15. Review status: criteria provided, single submitter. Criteria: GeneDx Variant Classification Process June 2021. Collection method: clinical testing. Allele origin: germline. Affected: yes.
Comment: Not observed at significant frequency in large population cohorts (gnomAD); In silico analysis supports that this missense variant has a deleterious effect on protein structure/function; Observed in an individual with ovarian cancer (Song 2021); This variant is associated with the following publications: (PMID: 32546565, Gordon2000[Book])

Natera, Inc.
Classification: Uncertain significance for Fanconi anemia. Last evaluated: 2018-06-03. Review status: no assertion criteria provided. Collection method: clinical testing. Allele origin: germline. Not counted in ClinVar's aggregate classification.